The following is an entry in ClinVar:

NM_001848.3(COL6A1):c.760-3C>T

Gene: COL6A1 (collagen type VI alpha 1 chain; plus strand). Cytogenetic location: 21q22.3.
Variant type: single nucleotide variant.
Coding change: c.760-3C>T on transcript NM_001848.3 (MANE Select); 3 bases into the intron before coding-DNA position 760, C replaced by T.
Molecular consequence: intron variant.
Genome position (GRCh38, 1-based): chr21:45,987,607, C>T. VCF-style: chr21-45987607-C-T. GRCh37 (hg19) VCF-style: chr21-47407521-C-T.
Identifiers: ClinVar variation 1936317 (VCV001936317.5), dbSNP rs2526317606, ClinGen allele CA2580098902.
Genomic context (GRCh38, chr21:45,987,607, plus strand): 5'-CGCGCCCTGCACCCTGGGAACCTGAGTCTGGGGTCCTGGCTGACCGTCCCCTCTGCCTTG[C>T]AGCCTGCAAGAGGACCTCCGGGGCTCCGGGGCGACCCCGGCTTTGAGGTGAGTGGTGACT-3'

ClinVar aggregate classification (germline): Uncertain significance (1 of 4 stars; one submission).

Conditions:
Bethlem myopathy 1A. Also called: MYOPATHY, BENIGN CONGENITAL, WITH CONTRACTURES; Bethlem myopathy 1; Bethlem Muscular Dystrophy. Identifiers: Orphanet 610, MedGen CN029274, MONDO:0024530, OMIM 158810.

gnomAD v4.1: 1 of 1,612,196 alleles (0.000062%); no homozygotes.

Submission:

Labcorp Genetics (formerly Invitae), Labcorp
Classification: Uncertain significance for Bethlem myopathy 1A. Last evaluated: 2022-08-15. Review status: criteria provided, single submitter. Criteria: Invitae Variant Classification Sherloc (09022015). Collection method: clinical testing. Allele origin: germline.
Comment: This sequence change falls in intron 7 of the COL6A1 gene. It does not directly change the encoded amino acid sequence of the COL6A1 protein. It affects a nucleotide within the consensus splice site. This variant is not present in population databases (gnomAD no frequency). This variant has not been reported in the literature in individuals affected with COL6A1-related conditions. Variants that disrupt the consensus splice site are a relatively common cause of aberrant splicing (PMID: 17576681, 9536098). Algorithms developed to predict the effect of sequence changes on RNA splicing suggest that this variant is not likely to affect RNA splicing. In summary, the available evidence is currently insufficient to determine the role of this variant in disease. Therefore, it has been classified as a Variant of Uncertain Significance.

Literature cited by the submitters: PubMed 17576681; PubMed 9536098.